The following is an entry in ClinVar:

NM_000416.3(IFNGR1):c.524A>G (p.Tyr175Cys)

Gene: IFNGR1 (interferon gamma receptor 1; minus strand). Cytogenetic location: 6q23.3.
Variant type: single nucleotide variant.
Coding change: c.524A>G on transcript NM_000416.3 (MANE Select); coding-DNA position 524, A replaced by G.
Protein change: p.Tyr175Cys; replaces tyrosine 175 with cysteine.
Molecular consequence: missense variant.
Genome position (GRCh38, 1-based): chr6:137,204,354, T>C on the plus strand (A>G on the coding strand, the complement: IFNGR1 is on the minus strand). VCF-style: chr6-137204354-T-C. GRCh37 (hg19) VCF-style: chr6-137525491-T-C.
Other names: c.494A>G, p.Tyr165Cys (NM_001363526.1); c.401A>G, p.Tyr134Cys (NM_001363527.1); short protein forms Y165C, Y175C, Y134C.
Identifiers: ClinVar variation 3013235 (VCV003013235.3), dbSNP rs1318817442, ClinGen allele CA4018957.

ClinVar aggregate classification (germline): Uncertain significance (1 of 4 stars; one submission).

Conditions:
Disseminated atypical mycobacterial infection. Identifiers: MedGen C0694566.

Allele frequency attached by ClinVar (database versions not stated): gnomAD exomes below 0.00001; TOPMed below 0.00001; ExAC 0.00002.
gnomAD v4.1: 4 of 1,613,842 alleles (0.00025%); highest among the groups gnomAD compares: Admixed American, 0.0033%; no homozygotes.

Submission:

Labcorp Genetics (formerly Invitae), Labcorp
Classification: Uncertain significance for Disseminated atypical mycobacterial infection. Last evaluated: 2025-10-03. Review status: criteria provided, single submitter. Criteria: Invitae Variant Classification Sherloc (09022015). Collection method: clinical testing. Allele origin: germline.
Comment: This sequence change replaces tyrosine, which is neutral and polar, with cysteine, which is neutral and slightly polar, at codon 175 of the IFNGR1 protein (p.Tyr175Cys). This variant is present in population databases (no rsID available, gnomAD 0.003%). This variant has not been reported in the literature in individuals affected with IFNGR1-related conditions. ClinVar contains an entry for this variant (Variation ID: 3013235). Invitae Evidence Modeling of protein sequence and biophysical properties (such as structural, functional, and spatial information, amino acid conservation, physicochemical variation, residue mobility, and thermodynamic stability) indicates that this missense variant is not expected to disrupt IFNGR1 protein function with a negative predictive value of 80%. In summary, the available evidence is currently insufficient to determine the role of this variant in disease. Therefore, it has been classified as a Variant of Uncertain Significance.